The following is an entry in ClinVar:

NM_004183.4(BEST1):c.1183G>C (p.Gly395Arg)

Gene: BEST1 (bestrophin 1; plus strand). Cytogenetic location: 11q12.3.
Variant type: single nucleotide variant.
Coding change: c.1183G>C on transcript NM_004183.4 (MANE Select); coding-DNA position 1183, G replaced by C.
Protein change: p.Gly395Arg; replaces glycine 395 with arginine.
Molecular consequence: missense variant. On other transcripts: non-coding transcript variant (1).
Genome position (GRCh38, 1-based): chr11:61,962,337, G>C. VCF-style: chr11-61962337-G-C. GRCh37 (hg19) VCF-style: chr11-61729809-G-C.
Other names: c.1003G>C, p.Gly335Arg (NM_001139443.3, NM_001300787.2); c.922G>C, p.Gly308Arg (NM_001300786.2); c.865G>C, p.Gly289Arg (NM_001363591.3); c.*78G>C (NM_001363592.2); c.211G>C, p.Gly71Arg (NM_001363593.3); short protein forms G335R, G308R, G289R, G395R, G71R.
Identifiers: ClinVar variation 3633889 (VCV003633889.2).

ClinVar aggregate classification (germline): Uncertain significance (1 of 4 stars; one submission).

gnomAD v4.1: 90 of 1,614,200 alleles (0.0056%); highest among the groups gnomAD compares: Non-Finnish European, 0.0074%; no homozygotes.

Submission:

Labcorp Genetics (formerly Invitae), Labcorp
Classification: Uncertain significance. Last evaluated: 2024-09-04. Review status: criteria provided, single submitter. Criteria: Invitae Variant Classification Sherloc (09022015). Collection method: clinical testing. Allele origin: germline.
Comment: This sequence change replaces glycine, which is neutral and non-polar, with arginine, which is basic and polar, at codon 395 of the BEST1 protein (p.Gly395Arg). This variant is present in population databases (rs776481126, gnomAD 0.003%). This variant has not been reported in the literature in individuals affected with BEST1-related conditions. Invitae Evidence Modeling of protein sequence and biophysical properties (such as structural, functional, and spatial information, amino acid conservation, physicochemical variation, residue mobility, and thermodynamic stability) indicates that this missense variant is expected to disrupt BEST1 protein function with a positive predictive value of 95%. In summary, the available evidence is currently insufficient to determine the role of this variant in disease. Therefore, it has been classified as a Variant of Uncertain Significance.